The following is an entry in ClinVar:

NM_001244008.2(KIF1A):c.3816+8C>T

Genes: KIF1A (kinesin family member 1A; minus strand), LOC126806583 (P300/CBP strongly-dependent group 1 enhancer GRCh37_chr2:241678910-241680109; plus strand). Cytogenetic location: 2q37.3.
Variant type: single nucleotide variant.
Coding change: c.3816+8C>T on transcript NM_001244008.2 (MANE Select); 8 bases into the intron after coding-DNA position 3816, C replaced by T.
Molecular consequence: intron variant.
Genome position (GRCh38, 1-based): chr2:240,740,290, G>A on the plus strand (C>T on the coding strand, the complement: KIF1A is on the minus strand). VCF-style: chr2-240740290-G-A. GRCh37 (hg19) VCF-style: chr2-241679707-G-A.
Other names: c.3513+8C>T (NM_001379653.1, NM_001379650.1, NM_001379641.1 and 5 more transcripts); c.3789+8C>T (NM_001379645.1, NM_001379633.1, NM_001379642.1); c.3615+8C>T (NM_001379635.1, NM_001330290.2, NM_001379646.1 and 1 more transcripts); c.3510+8C>T (NM_001379640.1); c.3765+8C>T (NM_001379632.1); c.3588+8C>T (NM_001379637.1, NM_001379648.1); c.3540+8C>T (NM_001320705.2, NM_001379638.1, NM_001330289.2); c.3891+8C>T (NM_001379631.1).
Identifiers: ClinVar variation 811915 (VCV000811915.15), dbSNP rs776328472, ClinGen allele CA915941862.

ClinVar aggregate classification (germline): Conflicting classifications of pathogenicity. Review status: criteria provided, conflicting classifications (1 of 4 stars). 2 submissions from 2 submitters: Uncertain significance (1); Likely benign (1). Last evaluated 2024-05-21.

Conditions:
Hereditary spastic paraplegia 30. Identifiers: Orphanet 101010, MedGen C5235139, MONDO:0012476.
Neuropathy, hereditary sensory, type 2C. Also called: KIF1A-Related HSAN2 (HSAN2C); Hereditary sensory and autonomic neuropathy type IIC. Identifiers: Orphanet 970, MedGen C3280168, MONDO:0013634, OMIM 614213.
Intellectual disability, autosomal dominant 9 (NESCAVS). Also called: KIF1A-Related Neurodevelopmental Disorder; NESCAV SYNDROME. Identifiers: Orphanet 662367, MedGen C5393830, MONDO:0013656, OMIM 614255.

Allele frequency attached by ClinVar (database versions not stated): gnomAD exomes below 0.00001; TOPMed below 0.00001; gnomAD 0.00001.
gnomAD v4.1: 3 of 1,612,040 alleles (0.00019%); highest among the groups gnomAD compares: Non-Finnish European, 0.00025%; no homozygotes.

Submissions (2):

Labcorp Genetics (formerly Invitae), Labcorp
Classification: Likely benign for Hereditary spastic paraplegia 30; Neuropathy, hereditary sensory, type 2C; Intellectual disability, autosomal dominant 9. Last evaluated: 2024-05-21. Review status: criteria provided, single submitter. Criteria: Invitae Variant Classification Sherloc (09022015). Collection method: clinical testing. Allele origin: germline.

ARUP Laboratories, Molecular Genetics and Genomics, ARUP Laboratories
Classification: Uncertain significance. Last evaluated: 2019-02-24. Review status: criteria provided, single submitter. Criteria: ARUP Molecular Germline Variant Investigation Process. Collection method: clinical testing. Allele origin: germline.
Comment: The KIF1A c.3513+8C>T variant, to our knowledge, is not described in the medical literature or in gene-specific databases. It is also absent from general population databases (Exome Variant Server and Genome Aggregation Database), indicating it is not a common polymorphism. This is an intronic variant at a nucleotide that is not conserved, and computational algorithms (Alamut v.2.11) predict that this variant may impact splicing by strengthening a nearby cryptic donor splice site. However, functional studies are necessary to confirm any effect this variant may have on RNA splicing, if any. Due to the lack of clinical and functional data regarding this variant, its clinical significance cannot be determined with certainty.